The following is an entry in ClinVar:

ClinVar aggregate classification (germline): Uncertain significance (1 of 4 stars; one submission).

Conditions:
Alpha-N-acetylgalactosaminidase deficiency type 1. Also called: SCHINDLER DISEASE, TYPE I; ALPHA-N-ACETYLGALACTOSAMINIDASE DEFICIENCY, TYPE I; NAGA DEFICIENCY, TYPE I; NEUROAXONAL DYSTROPHY, SCHINDLER TYPE. Identifiers: Orphanet 3137, Orphanet 79279, Orphanet 79281, MedGen C1836544, MONDO:0012221, OMIM 609241.

Submission:

Labcorp Genetics (formerly Invitae), Labcorp
Classification: Uncertain significance for Alpha-N-acetylgalactosaminidase deficiency type 1. Last evaluated: 2022-04-26. Review status: criteria provided, single submitter. Criteria: Invitae Variant Classification Sherloc (09022015). Collection method: clinical testing. Allele origin: germline.
Comment: This sequence change replaces glutamic acid, which is acidic and polar, with alanine, which is neutral and non-polar, at codon 164 of the NAGA protein (p.Glu164Ala). This variant is not present in population databases (gnomAD no frequency). This variant has not been reported in the literature in individuals affected with NAGA-related conditions. Algorithms developed to predict the effect of missense changes on protein structure and function (SIFT, PolyPhen-2, Align-GVGD) all suggest that this variant is likely to be tolerated. In summary, the available evidence is currently insufficient to determine the role of this variant in disease. Therefore, it has been classified as a Variant of Uncertain Significance.

NM_000262.3(NAGA):c.491A>C (p.Glu164Ala)

Genes: NAGA (alpha-N-acetylgalactosaminidase; minus strand), LOC126863160 (CDK7 strongly-dependent group 2 enhancer GRCh37_chr22:42462918-42464117; plus strand). Cytogenetic location: 22q13.2.
Variant type: single nucleotide variant.
Coding change: c.491A>C on transcript NM_000262.3 (MANE Select); coding-DNA position 491, A replaced by C.
Protein change: p.Glu164Ala; replaces glutamic acid 164 with alanine.
Molecular consequence: missense variant.
Genome position (GRCh38, 1-based): chr22:42,067,124, T>G on the plus strand (A>C on the coding strand, the complement: NAGA is on the minus strand). VCF-style: chr22-42067124-T-G. GRCh37 (hg19) VCF-style: chr22-42463128-T-G.
Other names: c.491A>C, p.Glu164Ala (NM_001362848.1, NM_001362850.1); short protein forms E164A.
Identifiers: ClinVar variation 1915350 (VCV001915350.2), dbSNP rs1041551272, ClinGen allele CA324656416.
Genomic context (GRCh38, chr22:42,067,124, plus strand): 5'-GGCCACCCTCCCCGTTTGCCTACGTGCCCCAGCCAGCTGCGTAACTCACCCTGGGCCCGC[T>G]CCTCGGGGGTGGAGAAGCAGCCATCCAGCTTGAGCATGTCTACCTTCCACTCGGCGAAGG-3'
Protein context (NP_000253.1, residues 154-174): KLDGCFSTPE[Glu164Ala]RAQGYPKMAA